The following is an entry in ClinVar:

NM_005045.4(RELN):c.5613A>C (p.Lys1871Asn)

Gene: RELN (reelin; minus strand). Cytogenetic location: 7q22.1.
Variant type: single nucleotide variant.
Coding change: c.5613A>C on transcript NM_005045.4 (MANE Select); coding-DNA position 5613, A replaced by C.
Protein change: p.Lys1871Asn; replaces lysine 1871 with asparagine.
Molecular consequence: missense variant.
Genome position (GRCh38, 1-based): chr7:103,557,966, T>G on the plus strand (A>C on the coding strand, the complement: RELN is on the minus strand). VCF-style: chr7-103557966-T-G. GRCh37 (hg19) VCF-style: chr7-103198413-T-G.
Other names: c.5613A>C, p.Lys1871Asn (NM_173054.3); short protein forms K1871N.
Identifiers: ClinVar variation 1907898 (VCV001907898.5), dbSNP rs368944281, ClinGen allele CA368742426.
Genomic context (GRCh38, chr7:103,557,966, plus strand): 5'-GGAAAAGGAATTGCACAGGGGAGAATTCTCTTGAAGGAAAATAATAAATTCATACTTACT[T>G]TTTGCTATAAATCTAAGTGAAAACTGGACATACATTGTATTTGTACAATCTAGATCTCTT-3'
Protein context (NP_005036.2, residues 1861-1881): YVQFSLRFIA[Lys1871Asn]STPERSHSIL

ClinVar aggregate classification (germline): Uncertain significance (1 of 4 stars; one submission).

Conditions:
Norman-Roberts syndrome (LIS2). Also called: Lissencephaly 2 (Norman-Roberts type). Identifiers: Orphanet 89844, MedGen C0796089, MONDO:0009760, OMIM 257320.
Familial temporal lobe epilepsy 7. Identifiers: Orphanet 101046, MedGen C4225327, MONDO:0014639, OMIM 616436.

Allele frequency attached by ClinVar (database versions not stated): TOPMed below 0.00001.
gnomAD v4.1: 1 of 1,271,462 alleles (0.000079%); highest among the groups gnomAD compares: Non-Finnish European, 0.00012%; no homozygotes.

Submission:

Labcorp Genetics (formerly Invitae), Labcorp
Classification: Uncertain significance for Familial temporal lobe epilepsy 7; Norman-Roberts syndrome. Last evaluated: 2024-04-29. Review status: criteria provided, single submitter. Criteria: Invitae Variant Classification Sherloc (09022015). Collection method: clinical testing. Allele origin: germline.
Comment: This sequence change replaces lysine, which is basic and polar, with asparagine, which is neutral and polar, at codon 1871 of the RELN protein (p.Lys1871Asn). This variant is not present in population databases (gnomAD no frequency). This variant has not been reported in the literature in individuals affected with RELN-related conditions. ClinVar contains an entry for this variant (Variation ID: 1907898). An algorithm developed to predict the effect of missense changes on protein structure and function (PolyPhen-2) suggests that this variant is likely to be disruptive. In summary, the available evidence is currently insufficient to determine the role of this variant in disease. Therefore, it has been classified as a Variant of Uncertain Significance.